The following is an entry in ClinVar:

ClinVar aggregate classification (germline): Likely benign (1 of 4 stars; one submission).

Conditions:
PLXNA2-related disorder. Also called: PLXNA2-related condition.

gnomAD v4.1: 6 of 1,614,008 alleles (0.00037%); highest among the groups gnomAD compares: East Asian, 0.013%; no homozygotes.

Submission:

PreventionGenetics, part of Exact Sciences
Classification: Likely benign for PLXNA2-related condition. Last evaluated: 2025-09-16. Review status: criteria provided, single submitter. Criteria: ACMG Guidelines, 2015. Collection method: clinical testing. Allele origin: germline.
Comment: This variant is classified as likely benign based on ACMG/AMP sequence variant interpretation guidelines (Richards et al. 2015 PMID: 25741868, with internal and published modifications).

NM_025179.4(PLXNA2):c.1311C>G (p.Ser437=)

Gene: PLXNA2 (plexin A2; minus strand). Cytogenetic location: 1q32.2.
Variant type: single nucleotide variant.
Coding change: c.1311C>G on transcript NM_025179.4 (MANE Select); coding-DNA position 1311, C replaced by G.
Protein change: p.Ser437=; no amino-acid change (serine 437 retained).
Molecular consequence: synonymous variant.
Genome position (GRCh38, 1-based): chr1:208,210,340, G>C on the plus strand (C>G on the coding strand, the complement: PLXNA2 is on the minus strand). VCF-style: chr1-208210340-G-C. GRCh37 (hg19) VCF-style: chr1-208383685-G-C.
Identifiers: ClinVar variation 4986601 (VCV004986601.1).